The following is an entry in ClinVar:

ClinVar aggregate classification (germline): Benign/Likely benign. Review status: criteria provided, multiple submitters, no conflicts (2 of 4 stars). 10 submissions from 10 submitters: Benign (3); Likely benign (6). 1 of the submissions does not count toward it. Last evaluated 2026-01-28.

Conditions:
AXIN2-related disorder.
Hereditary cancer-predisposing syndrome. Also called: Tumor predisposition; Hereditary Cancer Syndrome; Neoplastic Syndromes, Hereditary; Hereditary neoplastic syndrome. Identifiers: Orphanet 140162, MedGen C0027672, MeSH D009386, MONDO:0015356.
Oligodontia-cancer predisposition syndrome. Also called: TOOTH AGENESIS-COLORECTAL CANCER SYNDROME. Identifiers: Orphanet 300576, MedGen C1837750, MONDO:0012075, OMIM 608615. Disease mechanism: loss of function.

Allele frequency attached by ClinVar (database versions not stated): gnomAD 0.00015 and 0.00016; TOPMed 0.00019; ESP Exome Variant Server 0.00023; gnomAD exomes 0.00024 and 0.00028; ExAC 0.00041.

Submissions (10):

Labcorp Genetics (formerly Invitae), Labcorp
Classification: Likely benign for Oligodontia-cancer predisposition syndrome. Last evaluated: 2026-01-28. Review status: criteria provided, single submitter. Criteria: Invitae Variant Classification Sherloc (09022015). Collection method: clinical testing. Allele origin: germline.

Center for Genomic Medicine, Rigshospitalet, Copenhagen University Hospital
Classification: Likely benign. Last evaluated: 2025-03-04. Review status: criteria provided, single submitter. Criteria: ACMG Guidelines, 2015. Collection method: clinical testing. Allele origin: germline.

CeGaT Center for Human Genetics Tuebingen
Classification: Likely benign. Last evaluated: 2024-09-01. Review status: criteria provided, single submitter. Criteria: CeGaT Center For Human Genetics Tuebingen Variant Classification Criteria Version 2. Collection method: clinical testing. Allele origin: germline. Affected: yes. Observed: 1 variant allele.
Comment: AXIN2: BP4, BP7

Myriad Genetics, Inc.
Classification: Benign for Oligodontia-cancer predisposition syndrome. Last evaluated: 2024-06-27. Review status: criteria provided, single submitter. Criteria: Myriad Autosomal Dominant, Autosomal Recessive and X-Linked Classification Criteria (2023). Collection method: clinical testing. Allele origin: unknown.
Comment: This variant is considered benign. This variant is a silent/synonymous amino acid change and it is not expected to impact splicing.

ARUP Laboratories, Molecular Genetics and Genomics, ARUP Laboratories
Classification: Likely benign. Last evaluated: 2022-12-23. Review status: criteria provided, single submitter. Criteria: ARUP Molecular Germline Variant Investigation Process 2024. Collection method: clinical testing. Allele origin: germline.

Sema4
Classification: Likely benign for Hereditary cancer-predisposing syndrome. Last evaluated: 2021-04-08. Review status: criteria provided, single submitter. Criteria: Sema4 Curation Guidelines. Collection method: curation. Allele origin: germline.

Ambry Genetics
Classification: Likely benign for Hereditary cancer-predisposing syndrome. Last evaluated: 2019-01-02. Review status: criteria provided, single submitter. Criteria: Ambry Variant Classification Scheme 2023. Collection method: clinical testing. Allele origin: germline.

Illumina Laboratory Services, Illumina
Classification: Benign for Oligodontia-cancer predisposition syndrome. Last evaluated: 2018-01-12. Review status: criteria provided, single submitter. Criteria: ICSL Variant Classification Criteria 13 December 2019. Collection method: clinical testing. Allele origin: germline.
Comment: This variant was observed in the ICSL laboratory as part of a predisposition screen in an ostensibly healthy population. It had not been previously curated by ICSL or reported in the Human Gene Mutation Database (HGMD: prior to June 1st, 2018), and was therefore a candidate for classification through an automated scoring system. Utilizing variant allele frequency, disease prevalence and penetrance estimates, and inheritance mode, an automated score was calculated to assess if this variant is too frequent to cause the disease. Based on the score and internal cut-off values, a variant classified as benign is not then subjected to further curation. The score for this variant resulted in a classification of benign for this disease.

GeneDx
Classification: Benign. Last evaluated: 2015-03-03. Review status: criteria provided, single submitter. Criteria: GeneDx Variant Classification Process June 2021. Collection method: clinical testing. Allele origin: germline. Affected: yes.

PreventionGenetics, part of Exact Sciences
Classification: Likely benign for AXIN2-related condition. Last evaluated: 2022-02-08. Review status: no assertion criteria provided. Collection method: clinical testing. Allele origin: germline. Not counted in ClinVar's aggregate classification.
Comment: This variant is classified as likely benign based on ACMG/AMP sequence variant interpretation guidelines (Richards et al. 2015 PMID: 25741868, with internal and published modifications).

NM_004655.4(AXIN2):c.780T>C (p.Ser260=)

Gene: AXIN2 (axin 2; minus strand). Cytogenetic location: 17q24.1.
Variant type: single nucleotide variant.
Coding change: c.780T>C on transcript NM_004655.4 (MANE Select); coding-DNA position 780, T replaced by C.
Protein change: p.Ser260=; no amino-acid change (serine 260 retained).
Molecular consequence: synonymous variant.
Genome position (GRCh38, 1-based): chr17:65,557,841, A>G on the plus strand (T>C on the coding strand, the complement: AXIN2 is on the minus strand). VCF-style: chr17-65557841-A-G. GRCh37 (hg19) VCF-style: chr17-63553959-A-G.
Other names: c.780T>C (LRG_296t1); c.780T>C, p.Ser260= (NM_001363813.1).
Identifiers: ClinVar variation 240030 (VCV000240030.46), dbSNP rs147681058, ClinGen allele CA8718990.